The following is an entry in ClinVar:

ClinVar aggregate classification (germline): Pathogenic (1 of 4 stars; one submission).

Submission:

GeneDx
Classification: Pathogenic. Last evaluated: 2016-08-15. Review status: criteria provided, single submitter. Criteria: GeneDx Variant Classification (06012015). Collection method: clinical testing. Allele origin: germline. Affected: yes.
Comment: The D500H variant in the CYBB gene has been published previosuly in association with X-linked chronic granulomatous disease (CGD) (Kannengiesser et al., 2008; Lee et al., 2008). The variant was not observed in approximately 6,500 individuals of European and African American ancestry in the NHLBI Exome Sequencing Project, indicating it is not a common benign variant in these populations. D500H is a non-conservative amino acid substitution, which is likely to impact secondary protein structure as these residues differ in polarity, charge, size and/or other properties. This substitution occurs at a position that is conserved across species, and in silico analysis predicts this variant is probably damaging to the protein structure/function. Missense variants in the same residue (D500N/Y/G/E) and in nearby residues (H495P, L505P/R) have been reported in the Human Gene Mutation Database in association with X-linked CGD (Stenson et al., 2014), supporting the functional importance of this region of the protein.

NM_000397.4(CYBB):c.1498G>C (p.Asp500His)

Gene: CYBB (cytochrome b-245 beta chain; plus strand). Cytogenetic location: Xp11.4.
Variant type: single nucleotide variant.
Coding change: c.1498G>C on transcript NM_000397.4 (MANE Select); coding-DNA position 1498, G replaced by C.
Protein change: p.Asp500His; replaces aspartic acid 500 with histidine.
Molecular consequence: missense variant.
Genome position (GRCh38, 1-based): chrX:37,809,603, G>C. VCF-style: chrX-37809603-G-C. GRCh37 (hg19) VCF-style: chrX-37668856-G-C.
Other names: short protein forms D500H.
Identifiers: ClinVar variation 265470 (VCV000265470.2), dbSNP rs886039563, ClinGen allele CA10588779.